The following is an entry in ClinVar:

NM_201384.3(PLEC):c.9038T>C (p.Val3013Ala)

Gene: PLEC (plectin; minus strand). Cytogenetic location: 8q24.3.
Variant type: single nucleotide variant.
Coding change: c.9038T>C on transcript NM_201384.3 (MANE Select); coding-DNA position 9038, T replaced by C.
Protein change: p.Val3013Ala; replaces valine 3013 with alanine.
Molecular consequence: missense variant.
Genome position (GRCh38, 1-based): chr8:143,920,783, A>G on the plus strand (T>C on the coding strand, the complement: PLEC is on the minus strand). VCF-style: chr8-143920783-A-G. GRCh37 (hg19) VCF-style: chr8-144994951-A-G.
Other names: c.9119T>C, p.Val3040Ala (NM_000445.5); c.5738T>C, p.Val1913Ala (NM_001410941.1); c.8996T>C, p.Val2999Ala (NM_201378.4); c.8972T>C, p.Val2991Ala (NM_201379.3); c.9449T>C, p.Val3150Ala (NM_201380.4); c.8942T>C, p.Val2981Ala (NM_201381.3); c.9038T>C, p.Val3013Ala (NM_201382.4); c.9050T>C, p.Val3017Ala (NM_201383.3); short protein forms V1913A, V2981A, V2991A, V2999A, V3013A, V3017A, V3040A, V3150A.
Identifiers: ClinVar variation 3760844 (VCV003760844.2).

ClinVar aggregate classification (germline): Uncertain significance (1 of 4 stars; one submission).

Conditions:
Epidermolysis bullosa simplex with nail dystrophy (EBS5D). Identifiers: MedGen C4225309, MONDO:0014661, OMIM 616487.
Epidermolysis bullosa simplex, Ogna type (EBS5A). Also called: EPIDERMOLYSIS BULLOSA SIMPLEX 5A, OGNA TYPE; Pidermolysis bullosa simplex 5A, Ogna type. Identifiers: Orphanet 79401, MedGen C0432317, MONDO:0007555, OMIM 131950.
Autosomal recessive limb-girdle muscular dystrophy type 2Q (LGMDR17). Also called: MUSCULAR DYSTROPHY, LIMB-GIRDLE, AUTOSOMAL RECESSIVE 17. Identifiers: Orphanet 254361, MedGen C3150989, MONDO:0013390, OMIM 613723.
Epidermolysis bullosa simplex 5B, with muscular dystrophy (EBS5B). Also called: EPIDERMOLYSIS BULLOSA SIMPLEX AND LIMB-GIRDLE MUSCULAR DYSTROPHY; Epidermolysis bullosa simplex with muscular dystrophy. Identifiers: Orphanet 257, MedGen C2931072, MONDO:0009181, OMIM 226670.
Epidermolysis bullosa simplex 5C, with pyloric atresia (EBS5C). Also called: PLEC1-Related Epidermolysis Bullosa with Pyloric Atresia; PLEC-Related Epidermolysis Bullosa with Pyloric Atresia; Epidermolysis bullosa simplex with pyloric atresia. Identifiers: Orphanet 158684, MedGen C2677349, MONDO:0012807, OMIM 612138.

gnomAD v4.1: 17 of 1,606,894 alleles (0.0011%); highest among the groups gnomAD compares: Non-Finnish European, 0.0012%; no homozygotes.

Submission:

Labcorp Genetics (formerly Invitae), Labcorp
Classification: Uncertain significance for Autosomal recessive limb-girdle muscular dystrophy type 2Q; Epidermolysis bullosa simplex, Ogna type; Epidermolysis bullosa simplex with nail dystrophy; Epidermolysis bullosa simplex 5C, with pyloric atresia; Epidermolysis bullosa simplex 5B, with muscular dystrophy. Last evaluated: 2024-05-31. Review status: criteria provided, single submitter. Criteria: Invitae Variant Classification Sherloc (09022015). Collection method: clinical testing. Allele origin: germline.
Comment: This sequence change replaces valine, which is neutral and non-polar, with alanine, which is neutral and non-polar, at codon 3040 of the PLEC protein (p.Val3040Ala). This variant is not present in population databases (gnomAD no frequency). This variant has not been reported in the literature in individuals affected with PLEC-related conditions. Algorithms developed to predict the effect of missense changes on protein structure and function output the following: SIFT: "Not Available"; PolyPhen-2: "Benign"; Align-GVGD: "Not Available". The alanine amino acid residue is found in multiple mammalian species, which suggests that this missense change does not adversely affect protein function. In summary, the available evidence is currently insufficient to determine the role of this variant in disease. Therefore, it has been classified as a Variant of Uncertain Significance.